The following is an entry in ClinVar:

ClinVar aggregate classification (germline): Uncertain significance (1 of 4 stars; one submission).

gnomAD v4.1: 4 of 1,613,584 alleles (0.00025%); highest among the groups gnomAD compares: Non-Finnish European, 0.00025%; no homozygotes.

Submission:

GeneDx
Classification: Uncertain significance. Last evaluated: 2024-11-11. Review status: criteria provided, single submitter. Criteria: GeneDx Variant Classification Process June 2021. Collection method: clinical testing. Allele origin: germline. Affected: yes.
Comment: Not observed at significant frequency in large population cohorts (gnomAD); In silico analysis indicates that this missense variant does not alter protein structure/function; Has not been previously published as pathogenic or benign to our knowledge

NM_020066.5(FMN2):c.2696C>T (p.Pro899Leu)

Gene: FMN2 (formin 2; plus strand). Cytogenetic location: 1q43.
Variant type: single nucleotide variant.
Coding change: c.2696C>T on transcript NM_020066.5 (MANE Select); coding-DNA position 2696, C replaced by T.
Protein change: p.Pro899Leu; replaces proline 899 with leucine.
Molecular consequence: missense variant. On other transcripts: intron variant (1).
Genome position (GRCh38, 1-based): chr1:240,207,508, C>T. VCF-style: chr1-240207508-C-T. GRCh37 (hg19) VCF-style: chr1-240370808-C-T.
Other names: c.2708C>T, p.Pro903Leu (NM_001305424.2); c.1986+19246C>T (NM_001348094.2); short protein forms P899L, P903L.
Identifiers: ClinVar variation 3898967 (VCV003898967.1).